The following is an entry in ClinVar:

NM_014251.3(SLC25A13):c.614C>T (p.Ala205Val)

Gene: SLC25A13 (solute carrier family 25 member 13; minus strand). Cytogenetic location: 7q21.3.
Variant type: single nucleotide variant.
Coding change: c.614C>T on transcript NM_014251.3 (MANE Select); coding-DNA position 614, C replaced by T.
Protein change: p.Ala205Val; replaces alanine 205 with valine.
Molecular consequence: missense variant. On other transcripts: non-coding transcript variant (1).
Genome position (GRCh38, 1-based): chr7:96,193,038, G>A on the plus strand (C>T on the coding strand, the complement: SLC25A13 is on the minus strand). VCF-style: chr7-96193038-G-A. GRCh37 (hg19) VCF-style: chr7-95822350-G-A.
Other names: c.614C>T, p.Ala205Val (NM_001160210.2); short protein forms A205V.
Identifiers: ClinVar variation 583136 (VCV000583136.8), dbSNP rs1562831497, ClinGen allele CA368263261.

ClinVar aggregate classification (germline): Uncertain significance (1 of 4 stars; one submission).

Conditions:
Citrin deficiency. Identifiers: Orphanet 247582, MedGen C1997910, MONDO:0016602.

Allele frequency attached by ClinVar (database versions not stated): gnomAD exomes below 0.00001.
gnomAD v4.1: 1 of 1,613,924 alleles (0.000062%); highest among the groups gnomAD compares: Non-Finnish European, 0.000085%; no homozygotes.

Submission:

Labcorp Genetics (formerly Invitae), Labcorp
Classification: Uncertain significance for Citrin deficiency. Last evaluated: 2018-03-16. Review status: criteria provided, single submitter. Criteria: Invitae Variant Classification Sherloc (09022015). Collection method: clinical testing. Allele origin: germline.
Comment: This variant is not present in population databases (ExAC no frequency). This sequence change replaces alanine with valine at codon 205 of the SLC25A13 protein (p.Ala205Val). The alanine residue is highly conserved and there is a small physicochemical difference between alanine and valine. This variant has not been reported in the literature in individuals with SLC25A13-related disease. In summary, the available evidence is currently insufficient to determine the role of this variant in disease. Therefore, it has been classified as a Variant of Uncertain Significance. Algorithms developed to predict the effect of missense changes on protein structure and function do not agree on the potential impact of this missense change (SIFT: "Deleterious"; PolyPhen-2: "Benign"; Align-GVGD: "Class C0").